The following is an entry in ClinVar:

ClinVar aggregate classification (germline): Conflicting classifications of pathogenicity. Review status: criteria provided, conflicting classifications (1 of 4 stars). 2 submissions from 2 submitters: Uncertain significance (1); Likely benign (1). Last evaluated 2025-11-24.

Allele frequency attached by ClinVar (database versions not stated): 1000 Genomes Project 0.00100; gnomAD exomes 0.00010; ExAC 0.00012; gnomAD 0.00033; 1000 Genomes Project 30x 0.00141; TOPMed 0.00032; ESP Exome Variant Server 0.00038.
gnomAD v4.1: 81 of 1,614,190 alleles (0.005%); highest among the groups gnomAD compares: African/African-American, 0.091%; no homozygotes.

Submissions (2):

Ambry Genetics
Classification: Likely benign. Last evaluated: 2025-11-24. Review status: criteria provided, single submitter. Criteria: Ambry Variant Classification Scheme 2023. Collection method: clinical testing. Allele origin: germline.

Labcorp Genetics (formerly Invitae), Labcorp
Classification: Uncertain significance. Last evaluated: 2022-02-11. Review status: criteria provided, single submitter. Criteria: Invitae Variant Classification Sherloc (09022015). Collection method: clinical testing. Allele origin: germline.
Comment: This sequence change replaces threonine, which is neutral and polar, with alanine, which is neutral and non-polar, at codon 222 of the C2 protein (p.Thr222Ala). This variant is present in population databases (rs141450429, gnomAD 0.1%). This variant has not been reported in the literature in individuals affected with C2-related conditions. Algorithms developed to predict the effect of missense changes on protein structure and function output the following: SIFT: "Tolerated"; PolyPhen-2: "Benign"; Align-GVGD: "Class C0". The alanine amino acid residue is found in multiple mammalian species, which suggests that this missense change does not adversely affect protein function. In summary, the available evidence is currently insufficient to determine the role of this variant in disease. Therefore, it has been classified as a Variant of Uncertain Significance.

NM_000063.6(C2):c.664A>G (p.Thr222Ala)

Gene: C2 (complement C2; plus strand). Cytogenetic location: 6p21.33.
Variant type: single nucleotide variant.
Coding change: c.664A>G on transcript NM_000063.6 (MANE Select); coding-DNA position 664, A replaced by G.
Protein change: p.Thr222Ala; replaces threonine 222 with alanine.
Molecular consequence: missense variant. On other transcripts: intron variant (1).
Genome position (GRCh38, 1-based): chr6:31,933,914, A>G. VCF-style: chr6-31933914-A-G. GRCh37 (hg19) VCF-style: chr6-31901691-A-G.
Other names: c.664A>G (NM_000063.4); c.268A>G, p.Thr90Ala (NM_001145903.3); c.295A>G, p.Thr99Ala (NM_001178063.3); c.577A>G, p.Thr193Ala (NM_001282458.2); c.664A>G, p.Thr222Ala (NM_001282459.2); c.111+131A>G (NM_001282457.2); short protein forms T193A, T90A, T222A, T99A.
Identifiers: ClinVar variation 1444905 (VCV001444905.7), dbSNP rs141450429, ClinGen allele CA3727462.
Genomic context (GRCh38, chr6:31,933,914, plus strand): 5'-GCTCTCCCCACAGAACCCTACTCTTATGACTTCCCTGAGGACGTGGCCCCTGCCCTGGGC[A>G]CTTCCTTCTCCCACATGCTTGGGGCCACCAATCCCACCCAGAAGACAAAGGGTGAGTGTT-3'
Protein context (NP_000054.2, residues 212-232): FPEDVAPALG[Thr222Ala]SFSHMLGATN